The following is an entry in ClinVar:

NM_001013703.4(EIF2AK4):c.3916G>T (p.Gly1306Cys)

Gene: EIF2AK4 (eukaryotic translation initiation factor 2 alpha kinase 4; plus strand). Cytogenetic location: 15q15.1.
Variant type: single nucleotide variant.
Coding change: c.3916G>T on transcript NM_001013703.4 (MANE Select); coding-DNA position 3916, G replaced by T.
Protein change: p.Gly1306Cys; replaces glycine 1306 with cysteine.
Molecular consequence: missense variant.
Genome position (GRCh38, 1-based): chr15:40,016,658, G>T. VCF-style: chr15-40016658-G-T. GRCh37 (hg19) VCF-style: chr15-40308859-G-T.
Other names: short protein forms G1306C.
Identifiers: ClinVar variation 381182 (VCV000381182.27), dbSNP rs35602605, ClinGen allele CA7474471.
Genomic context (GRCh38, chr15:40,016,658, plus strand): 5'-CAGTTGGTGAAGTATGGCTTAAAAGACCTAGAGGAGGTTGTTGGACTGTTGAAGAAACTC[G>T]GCATCAAGTTACAGGTTTGGCAACAGTTTGATACTGGCAGTACAAATGTGTAGCATTACT-3'
Protein context (NP_001013725.2, residues 1296-1316): EEVVGLLKKL[Gly1306Cys]IKLQVLINLG

ClinVar aggregate classification (germline): Benign. Review status: criteria provided, multiple submitters, no conflicts (2 of 4 stars). 6 submissions from 6 submitters: Benign (6). Last evaluated 2026-02-03.

Conditions:
Familial pulmonary capillary hemangiomatosis (PVOD2). Also called: Pulmonary venoocclusive disease 2, autosomal recessive; Pulmonary venoocclusive disease 2. Identifiers: Orphanet 199241, MedGen C0340848, MONDO:0009329, OMIM 234810.

Allele frequency attached by ClinVar (database versions not stated): 1000 Genomes Project 30x 0.06918; 1000 Genomes Project 0.06989; TOPMed 0.11821; gnomAD 0.12451; ESP Exome Variant Server 0.13751.
gnomAD v4.1: 257,376 of 1,613,804 alleles (16%); highest among the groups gnomAD compares: Non-Finnish European, 18%; 22,431 homozygotes.

Submissions (6):

Labcorp Genetics (formerly Invitae), Labcorp
Classification: Benign. Last evaluated: 2026-02-03. Review status: criteria provided, single submitter. Criteria: Invitae Variant Classification Sherloc (09022015). Collection method: clinical testing. Allele origin: germline.

ARUP Laboratories, Molecular Genetics and Genomics, ARUP Laboratories
Classification: Benign for Familial pulmonary capillary hemangiomatosis. Last evaluated: 2025-07-07. Review status: criteria provided, single submitter. Criteria: ARUP Molecular Germline Variant Investigation Process 2024. Collection method: clinical testing. Allele origin: germline.

Blueprint Genetics
Classification: Benign. Last evaluated: 2024-11-27. Review status: criteria provided, single submitter. Criteria: ACMG Guidelines, 2015. Collection method: clinical testing. Allele origin: germline.

GeneDx
Classification: Benign. Last evaluated: 2016-10-11. Review status: criteria provided, single submitter. Criteria: GeneDx Variant Classification (06012015). Collection method: clinical testing. Allele origin: germline. Affected: yes.
Comment: This variant is considered likely benign or benign based on one or more of the following criteria: it is a conservative change, it occurs at a poorly conserved position in the protein, it is predicted to be benign by multiple in silico algorithms, and/or has population frequency not consistent with disease.

Laboratory for Molecular Medicine, Mass General Brigham Personalized Medicine
Classification: Benign. Last evaluated: 2016-03-28. Review status: criteria provided, single submitter. Criteria: LMM Criteria. Collection method: clinical testing. Allele origin: germline.
Comment: Variant identified in a genome or exome case(s) and assessed due to predicted null impact of the variant or pathogenic assertions in the literature or databases. Disclaimer: This variant has not undergone full assessment. The following are preliminary notes: Frequency

Breakthrough Genomics
Classification: Benign. Review status: criteria provided, single submitter. Criteria: ACMG Guidelines, 2015. Collection method: not provided. Allele origin: germline. Inheritance: Autosomal recessive inheritance. Affected: yes.